The following is an entry in ClinVar:

NM_000194.3(HPRT1):c.546A>G (p.Glu182=)

Gene: HPRT1 (hypoxanthine phosphoribosyltransferase 1; plus strand). Cytogenetic location: Xq26.2.
Variant type: single nucleotide variant.
Coding change: c.546A>G on transcript NM_000194.3 (MANE Select); coding-DNA position 546, A replaced by G.
Protein change: p.Glu182=; no amino-acid change (glutamic acid 182 retained).
Molecular consequence: synonymous variant.
Genome position (GRCh38, 1-based): chrX:134,498,621, A>G. VCF-style: chrX-134498621-A-G. GRCh37 (hg19) VCF-style: chrX-133632651-A-G.
Other names: c.546A>G (NM_000194.2).
Identifiers: ClinVar variation 1497645 (VCV001497645.9), dbSNP rs2124305311, ClinGen allele CA518651517.
Genomic context (GRCh38, chrX:134,498,621, plus strand): 5'-AAAGTGATGTTTTCTTTATCTAAATGATGAATTATGATTCTTTTTAGTTGTTGGATTTGA[A>G]ATTCCAGACAAGTTTGTTGTAGGATATGCCCTTGACTATAATGAATACTTCAGGGATTTG-3'
Protein context (NP_000185.1, residues 172-192): VGYKPDFVGF[Glu182=]IPDKFVVGYA

ClinVar aggregate classification (germline): Conflicting classifications of pathogenicity. Review status: criteria provided, conflicting classifications (1 of 4 stars). 2 submissions from 2 submitters: Uncertain significance (1); Likely benign (1). Last evaluated 2023-07-17.

Conditions:
HPRT1-related disorder. Also called: HPRT1-related disorders; HPRT1-related condition.
Partial hypoxanthine-guanine phosphoribosyltransferase deficiency. Also called: HYPOXANTHINE GUANINE PHOSPHORIBOSYLTRANSFERASE 1 DEFICIENCY, PARTIAL; GOUT, HPRT-RELATED; HPRT1 DEFICIENCY, PARTIAL; Kelley-Seegmiller Syndrome; HPRT DEFICIENCY, PARTIAL. Identifiers: Orphanet 79233, MedGen C0268117, MONDO:0010299, OMIM 300323.
Lesch-Nyhan syndrome (LNS). Also called: Lesch-Nyhan Disease (LND); HPRT DEFICIENCY, COMPLETE. Identifiers: Orphanet 510, MedGen C0023374, MONDO:0010298, OMIM 300322.

Submissions (2):

Labcorp Genetics (formerly Invitae), Labcorp
Classification: Likely benign for Lesch-Nyhan syndrome; Partial hypoxanthine-guanine phosphoribosyltransferase deficiency. Last evaluated: 2023-07-17. Review status: criteria provided, single submitter. Criteria: Invitae Variant Classification Sherloc (09022015). Collection method: clinical testing. Allele origin: germline.

PreventionGenetics, part of Exact Sciences
Classification: Uncertain significance for HPRT1-related condition. Last evaluated: 2022-10-17. Review status: criteria provided, single submitter. Criteria: ACMG Guidelines, 2015. Collection method: clinical testing. Allele origin: germline.
Comment: The HPRT1 c.546A>G variant is not predicted to result in an amino acid change (p.=). This variant is predicted to alter splicing based on available splicing prediction programs (Alamut Visual v2.11). However, the use of computer prediction programs is not equivalent to functional evidence. To our knowledge, this variant has not been reported in the literature or in a large population database, indicating this variant is rare. At this time, the clinical significance of this variant is uncertain due to the absence of conclusive functional and genetic evidence.